The following is an entry in ClinVar:

ClinVar aggregate classification (germline): Uncertain significance (1 of 4 stars; one submission).

Conditions:
Pyridoxine-dependent epilepsy (EPEO4). Also called: Pyridoxine-Dependent Epilepsy - ALDH7A1; EPILEPSY, EARLY-ONSET, 4, VITAMIN B6-DEPENDENT; PYRIDOXINE DEPENDENCY WITH SEIZURES; Pyridoxine-Dependent Seizures. Identifiers: Orphanet 3006, MedGen C1849508, MONDO:0009945, OMIM 266100. Disease mechanism: loss of function.

Submission:

Labcorp Genetics (formerly Invitae), Labcorp
Classification: Uncertain significance for Pyridoxine-dependent epilepsy. Last evaluated: 2022-01-06. Review status: criteria provided, single submitter. Criteria: Invitae Variant Classification Sherloc (09022015). Collection method: clinical testing. Allele origin: germline.
Comment: This sequence change replaces serine, which is neutral and polar, with arginine, which is basic and polar, at codon 312 of the ALDH7A1 protein (p.Ser312Arg). This variant is not present in population databases (gnomAD no frequency). This variant has not been reported in the literature in individuals affected with ALDH7A1-related conditions. ClinVar contains an entry for this variant (Variation ID: 582063). Advanced modeling of protein sequence and biophysical properties (such as structural, functional, and spatial information, amino acid conservation, physicochemical variation, residue mobility, and thermodynamic stability) performed at Invitae indicates that this missense variant is not expected to disrupt ALDH7A1 protein function. Algorithms developed to predict the effect of sequence changes on RNA splicing suggest that this variant may create or strengthen a splice site. In summary, the available evidence is currently insufficient to determine the role of this variant in disease. Therefore, it has been classified as a Variant of Uncertain Significance.

NM_001182.5(ALDH7A1):c.936C>G (p.Ser312Arg)

Gene: ALDH7A1 (aldehyde dehydrogenase 7 family member A1; minus strand). Cytogenetic location: 5q23.2.
Variant type: single nucleotide variant.
Coding change: c.936C>G on transcript NM_001182.5 (MANE Select); coding-DNA position 936, C replaced by G.
Protein change: p.Ser312Arg; replaces serine 312 with arginine.
Molecular consequence: missense variant.
Genome position (GRCh38, 1-based): chr5:126,559,312, G>C on the plus strand (C>G on the coding strand, the complement: ALDH7A1 is on the minus strand). VCF-style: chr5-126559312-G-C. GRCh37 (hg19) VCF-style: chr5-125895004-G-C.
Other names: c.852C>G, p.Ser284Arg (NM_001201377.2); c.936C>G, p.Ser312Arg (NM_001202404.2); short protein forms S312R, S284R.
Identifiers: ClinVar variation 582063 (VCV000582063.7), dbSNP rs1561654302, ClinGen allele CA360726806.
Genomic context (GRCh38, chr5:126,559,312, plus strand): 5'-AGTGGTACACCTCTGGCCAGCTGTTCCCACAGCAGCGAAGAGAGCTGATGGAACAACTAA[G>C]CTGAGGTCTGCATCTTCAAAGGCTTAGGAAAGCACAAACACTTCCATCAGCGAACCAAAA-3'
Protein context (NP_001173.2, residues 302-322): AIIAFEDADL[Ser312Arg]LVVPSALFAA